The following is an entry in ClinVar:

ClinVar aggregate classification (germline): Benign. Review status: criteria provided, multiple submitters, no conflicts (2 of 4 stars). 2 submissions from 2 submitters: Benign (2). Last evaluated 2026-02-04.

Allele frequency attached by ClinVar (database versions not stated): gnomAD 0.23737 and 0.23599; ExAC 0.24917; 1000 Genomes Project 0.17492; TOPMed 0.22691; gnomAD exomes 0.24816 and 0.29383; 1000 Genomes Project 30x 0.17395; ESP Exome Variant Server 0.24704.
gnomAD v4.1: 453,548 of 1,575,622 alleles (29%); highest among the groups gnomAD compares: Non-Finnish European, 32%; 70,217 homozygotes.

Submissions (12):

Labcorp Genetics (formerly Invitae), Labcorp
Classification: Benign. Last evaluated: 2026-02-04. Review status: criteria provided, single submitter. Criteria: Invitae Variant Classification Sherloc (09022015). Collection method: clinical testing. Allele origin: germline.

GeneDx
Classification: Benign. Last evaluated: 2018-11-10. Review status: criteria provided, single submitter. Criteria: GeneDx Variant Classification Process June 2021. Collection method: clinical testing. Allele origin: germline. Affected: yes.
Comment: This variant is associated with the following publications: (PMID: 20011102, 17671095)

Dr. Peter K. Rogan Lab, Western University
No classification provided (evidence only). Condition: Malignant lymphoma, large B-cell, diffuse. Review status: no classification provided. Collection method: in vitro. Allele origin: not applicable. Functional consequence: retained intron. Not counted in ClinVar's aggregate classification.

Dr. Peter K. Rogan Lab, Western University
No classification provided (evidence only). Condition: Hepatocellular carcinoma. Review status: no classification provided. Collection method: in vitro. Allele origin: not applicable. Functional consequence: skipped exon, retained intron. Not counted in ClinVar's aggregate classification.

Dr. Peter K. Rogan Lab, Western University
No classification provided (evidence only). Condition: Hepatocellular carcinoma. Review status: no classification provided. Collection method: in vitro. Allele origin: not applicable. Functional consequence: skipped exon, retained intron. Not counted in ClinVar's aggregate classification.

Dr. Peter K. Rogan Lab, Western University
No classification provided (evidence only). Condition: Hepatocellular carcinoma. Review status: no classification provided. Collection method: in vitro. Allele origin: not applicable. Functional consequence: skipped exon. Not counted in ClinVar's aggregate classification.

Dr. Peter K. Rogan Lab, Western University
No classification provided (evidence only). Condition: Hepatocellular carcinoma. Review status: no classification provided. Collection method: in vitro. Allele origin: not applicable. Functional consequence: skipped exon, retained intron. Not counted in ClinVar's aggregate classification.

Dr. Peter K. Rogan Lab, Western University
No classification provided (evidence only). Condition: Hepatocellular carcinoma. Review status: no classification provided. Collection method: in vitro. Allele origin: not applicable. Functional consequence: skipped exon, retained intron. Not counted in ClinVar's aggregate classification.

Dr. Peter K. Rogan Lab, Western University
No classification provided (evidence only). Condition: Hepatocellular carcinoma. Review status: no classification provided. Collection method: in vitro. Allele origin: not applicable. Functional consequence: skipped exon. Not counted in ClinVar's aggregate classification.

Dr. Peter K. Rogan Lab, Western University
No classification provided (evidence only). Condition: Hepatocellular carcinoma. Review status: no classification provided. Collection method: in vitro. Allele origin: not applicable. Functional consequence: skipped exon. Not counted in ClinVar's aggregate classification.

Dr. Peter K. Rogan Lab, Western University
No classification provided (evidence only). Condition: Hepatocellular carcinoma. Review status: no classification provided. Collection method: in vitro. Allele origin: not applicable. Functional consequence: skipped exon, retained intron. Not counted in ClinVar's aggregate classification.

Dr. Peter K. Rogan Lab, Western University
No classification provided (evidence only). Condition: Hepatocellular carcinoma. Review status: no classification provided. Collection method: in vitro. Allele origin: not applicable. Functional consequence: skipped exon. Not counted in ClinVar's aggregate classification.

NM_001750.7(CAST):c.918G>A (p.Ser306=)

Gene: CAST (calpastatin; plus strand). Cytogenetic location: 5q15.
Variant type: single nucleotide variant.
Coding change: c.918G>A on transcript NM_001750.7 (MANE Select); coding-DNA position 918, G replaced by A.
Protein change: p.Ser306=; no amino-acid change (serine 306 retained).
Molecular consequence: synonymous variant. On other transcripts: intron variant (8).
Genome position (GRCh38, 1-based): chr5:96,740,783, G>A. VCF-style: chr5-96740783-G-A. GRCh37 (hg19) VCF-style: chr5-96076487-G-A.
Other names: c.795G>A, p.Ser265= (NM_001042440.5, NM_001330627.2); c.861G>A, p.Ser287= (NM_001042441.3); c.852G>A, p.Ser284= (NM_001042442.3); c.669G>A, p.Ser223= (NM_001042443.3); c.546G>A, p.Ser182= (NM_001042444.3, NM_001284212.4); c.453G>A, p.Ser151= (NM_001284213.4); c.750G>A, p.Ser250= (NM_001330628.2); c.603G>A, p.Ser201= (NM_001330632.2, NM_173060.5); and 8 more.
Identifiers: ClinVar variation 1274351 (VCV001274351.10), dbSNP rs7724759, ClinGen allele CA3351019.